The following is an entry in ClinVar:

NM_004612.4(TGFBR1):c.945T>C (p.His315=)

Gene: TGFBR1 (transforming growth factor beta receptor 1; plus strand). Cytogenetic location: 9q22.33.
Variant type: single nucleotide variant.
Coding change: c.945T>C on transcript NM_004612.4 (MANE Select); coding-DNA position 945, T replaced by C.
Protein change: p.His315=; no amino-acid change (histidine 315 retained).
Molecular consequence: synonymous variant. On other transcripts: non-coding transcript variant (4), intron variant (2).
Genome position (GRCh38, 1-based): chr9:99,142,675, T>C. VCF-style: chr9-99142675-T-C. GRCh37 (hg19) VCF-style: chr9-101904957-T-C.
Other names: c.714T>C, p.His238= (NM_001130916.3, NM_001407435.1); c.957T>C, p.His319= (NM_001306210.2); c.750T>C, p.His250= (NM_001407418.1, NM_001407419.1, NM_001407420.1 and 1 more transcripts); c.738T>C, p.His246= (NM_001407423.1, NM_001407424.1, NM_001407425.1 and 8 more transcripts); c.699T>C, p.His233= (NM_001407436.1); c.237T>C, p.His79= (NM_001407437.1); c.468T>C, p.His156= (NM_001407438.1); c.818-2057T>C (NM_001407416.1); and 1 more.
Identifiers: ClinVar variation 3044240 (VCV003044240.4), dbSNP rs767005593, ClinGen allele CA043467.

ClinVar aggregate classification (germline): Likely benign. Review status: criteria provided, multiple submitters, no conflicts (2 of 4 stars). 3 submissions from 3 submitters: Likely benign (2). 1 of the submissions does not count toward it. Last evaluated 2026-01-22.

Conditions:
TGFBR1-related disorder. Also called: TGFBR1-related condition.
Familial thoracic aortic aneurysm and aortic dissection (TAAD). Also called: Thoracic aortic aneurysms and dissections. Identifiers: Orphanet 91387, MedGen C4707243, MONDO:0019625.
Loeys-Dietz syndrome (LDS). Identifiers: Orphanet 60030, MedGen C2697932, MONDO:0018954.

Allele frequency attached by ClinVar (database versions not stated): gnomAD exomes below 0.00001; ExAC 0.00001.
gnomAD v4.1: 3 of 1,614,100 alleles (0.00019%); highest among the groups gnomAD compares: Admixed American, 0.0017%; no homozygotes.

Submissions (3):

Labcorp Genetics (formerly Invitae), Labcorp
Classification: Likely benign for Familial thoracic aortic aneurysm and aortic dissection. Last evaluated: 2026-01-22. Review status: criteria provided, single submitter. Criteria: Invitae Variant Classification Sherloc (09022015). Collection method: clinical testing. Allele origin: germline.

All of Us Research Program, National Institutes of Health
Classification: Likely benign for Loeys-Dietz syndrome. Last evaluated: 2023-07-22. Review status: criteria provided, single submitter. Criteria: ACMG Guidelines, 2015. Collection method: clinical testing. Allele origin: germline. Inheritance: Autosomal dominant inheritance. Observed: 1 variant allele, 1 heterozygote.
Comment: This study involves interpretation of variants in research participants for the purpose of population health screening. Participant phenotype was not available at the time of variant classification. Additional details can be found in publication PMID: 35346344, PMCID: PMC8962531

PreventionGenetics, part of Exact Sciences
Classification: Likely benign for TGFBR1-related condition. Last evaluated: 2022-03-16. Review status: no assertion criteria provided. Collection method: clinical testing. Allele origin: germline. Not counted in ClinVar's aggregate classification.
Comment: This variant is classified as likely benign based on ACMG/AMP sequence variant interpretation guidelines (Richards et al. 2015 PMID: 25741868, with internal and published modifications).